The following is an entry in ClinVar:

NM_133433.4(NIPBL):c.4940A>G (p.Glu1647Gly)

Gene: NIPBL (NIPBL cohesin loading factor; plus strand). Cytogenetic location: 5p13.2.
Variant type: single nucleotide variant.
Coding change: c.4940A>G on transcript NM_133433.4 (MANE Select); coding-DNA position 4940, A replaced by G.
Protein change: p.Glu1647Gly; replaces glutamic acid 1647 with glycine.
Molecular consequence: missense variant.
Genome position (GRCh38, 1-based): chr5:37,019,330, A>G. VCF-style: chr5-37019330-A-G. GRCh37 (hg19) VCF-style: chr5-37019432-A-G.
Other names: c.4940A>G, p.Glu1647Gly (NM_015384.5); short protein forms E1647G.
Identifiers: ClinVar variation 2581025 (VCV002581025.1), dbSNP rs2478303864, ClinGen allele CA359485617.

ClinVar aggregate classification (germline): Likely benign (1 of 4 stars; one submission).

Conditions:
Cornelia de Lange syndrome 1 (CDLS1). Also called: Brachmann de Lange syndrome; NIPBL-Related Cornelia de Lange Syndrome; TYPUS DEGENERATIVUS AMSTELODAMENSIS. Identifiers: Orphanet 199, MedGen C4551851, MONDO:0007387, OMIM 122470.

Submission:

Dr. med. U. Finckh, Human Genetics, Eurofins MVZ
Classification: Likely benign for Cornelia de Lange syndrome 1. Last evaluated: 2021-10-08. Review status: criteria provided, single submitter. Criteria: ACMG Guidelines, 2015. Collection method: clinical testing. Allele origin: paternal. Affected: no. Observed: 2 heterozygotes.